The following is an entry in ClinVar:

NM_000080.4(CHRNE):c.1480_*48delinsC (p.Ter494LeuextTer?)

Gene: CHRNE (cholinergic receptor nicotinic epsilon subunit; minus strand). Cytogenetic location: 17p13.2.
Variant type: Indel.
Coding change: c.1480_*48delinsC on transcript NM_000080.4 (MANE Select); coding-DNA position 1480 through 48 bases downstream of the stop codon, the reference bases replaced by C.
Protein change: p.Ter494LeuextTer?.
Molecular consequence: frameshift variant, stop lost.
Genome position (GRCh38, 1-based): chr17:4,898,688-4,898,738, 51 bases replaced. GRCh37 (hg19): chr17:4,801,983-4,802,033.
Other names: c.1480_*48delinsC, p.Ter494LeuextTer? (LRG_1254t1).
Identifiers: ClinVar variation 372873 (VCV000372873.41), dbSNP rs1555546038, ClinGen allele CA16042994.

ClinVar aggregate classification (germline): Uncertain significance. Review status: criteria provided, multiple submitters, no conflicts (2 of 4 stars). 6 submissions from 6 submitters: Uncertain significance (6). Last evaluated 2025-02-26.

Conditions:
Congenital myasthenic syndrome 4A. Also called: MYASTHENIC SYNDROME, CONGENITAL, 4A, SLOW-CHANNEL, AUTOSOMAL RECESSIVE; Myasthenic syndrome, congenital, 4a, slow-channel; CONGENITAL MYASTHENIC SYNDROME TYPE Ia1. Identifiers: Orphanet 590, MedGen C4225413, MONDO:0011600, OMIM 605809.

Submissions (6):

Women's Health and Genetics/Laboratory Corporation of America, LabCorp
Classification: Uncertain significance. Last evaluated: 2025-02-26. Review status: criteria provided, single submitter. Criteria: LabCorp Variant Classification Summary - May 2015. Collection method: clinical testing. Allele origin: germline.
Comment: Variant summary: CHRNE c.1480_*48delinsC (p.X494LeufsX4) disrupts the translational stop codon and results in an extension of the protein. The variant allele was found at a frequency of 0.0002 in 1594216 control chromosomes in the gnomAD database (v4.1 dataset), including 1 homozygote. This frequency is not higher than the maximum estimated for a pathogenic variant in CHRNE causing Congenital Myasthenic Syndrome (0.0025), allowing no conclusion about variant significance. To our knowledge, no occurrence of c.1480_*48delinsC in individuals affected with Congenital Myasthenic Syndrome and no experimental evidence demonstrating its impact on protein function have been reported. ClinVar contains an entry for this variant (Variation ID: 372873). Based on the evidence outlined above, the variant was classified as uncertain significance.

Revvity Omics, Revvity
Classification: Uncertain significance. Last evaluated: 2024-05-10. Review status: criteria provided, single submitter. Criteria: ACMG Guidelines, 2015. Collection method: clinical testing. Allele origin: germline.

GeneDx
Classification: Uncertain significance. Last evaluated: 2024-02-20. Review status: criteria provided, single submitter. Criteria: GeneDx Variant Classification Process June 2021. Collection method: clinical testing. Allele origin: germline. Affected: yes.
Comment: Stop codon loss and change to a Leucine codon, leading to protein extension and the addition of three amino acids at the C-terminus; Has not been previously published as pathogenic or benign to our knowledge

Labcorp Genetics (formerly Invitae), Labcorp
Classification: Uncertain significance for Congenital myasthenic syndrome 4A. Last evaluated: 2022-11-02. Review status: criteria provided, single submitter. Criteria: Invitae Variant Classification Sherloc (09022015). Collection method: clinical testing. Allele origin: germline.
Comment: This sequence change disrupts the translational stop signal of the CHRNE mRNA. It is expected to extend the length of the CHRNE protein by 3 additional amino acid residues. Information on the frequency of this variant in the gnomAD database is not available, as this variant may be reported differently in the database. This variant has not been reported in the literature in individuals affected with CHRNE-related conditions. Experimental studies and prediction algorithms are not available or were not evaluated, and the functional significance of this variant is currently unknown. In summary, the available evidence is currently insufficient to determine the role of this variant in disease. Therefore, it has been classified as a Variant of Uncertain Significance.

CeGaT Center for Human Genetics Tuebingen
Classification: Uncertain significance. Last evaluated: 2019-07-01. Review status: criteria provided, single submitter. Criteria: CeGaT Center For Human Genetics Tuebingen Variant Classification Criteria Version 2. Collection method: clinical testing. Allele origin: germline. Affected: yes. Observed: 1 variant allele.

Eurofins Ntd Llc (ga)
Classification: Uncertain significance. Last evaluated: 2015-10-19. Review status: criteria provided, single submitter. Criteria: EGL Classification Definitions 2015. Collection method: clinical testing. Allele origin: germline. Observed: 1 variant allele, 1 heterozygote.